The following is an entry in ClinVar:

ClinVar aggregate classification (germline): Uncertain significance. Review status: criteria provided, multiple submitters, no conflicts (2 of 4 stars). 2 submissions from 2 submitters: Uncertain significance (2). Last evaluated 2023-10-19.

Submissions (2):

Women's Health and Genetics/Laboratory Corporation of America, LabCorp
Classification: Uncertain significance. Last evaluated: 2023-10-19. Review status: criteria provided, single submitter. Criteria: LabCorp Variant Classification Summary - May 2015. Collection method: clinical testing. Allele origin: germline.
Comment: Variant summary: NOTCH3 c.2741_2742delinsAG (p.Pro914Gln) results in a non-conservative amino acid change located in the EGF-like domain (IPR000742) of the encoded protein sequence. Two of three in-silico tools predict a damaging effect of the variant on protein function. The variant allele was found at a frequency of 1.9e-05 in 154644 control chromosomes. The available data on variant occurrences in the general population are insufficient to allow any conclusion about variant significance. To our knowledge, no occurrence of c.2741_2742delinsAG in individuals affected with NOTCH3-Related Disorders and no experimental evidence demonstrating its impact on protein function have been reported. No submitters have cited clinical-significance assessments for this variant to ClinVar after 2014. Based on the evidence outlined above, the variant was classified as uncertain significance.

Athena Diagnostics
Classification: Uncertain significance. Last evaluated: 2021-02-23. Review status: criteria provided, single submitter. Criteria: Athena Diagnostics criteria. Collection method: clinical testing. Allele origin: unknown.

NM_000435.3(NOTCH3):c.2741_2742delinsAG (p.Pro914Gln)

Gene: NOTCH3 (notch receptor 3; minus strand). Cytogenetic location: 19p13.12.
Variant type: Indel.
Coding change: c.2741_2742delinsAG on transcript NM_000435.3 (MANE Select); coding-DNA positions 2741 to 2742, CA replaced by AG.
Protein change: p.Pro914Gln; replaces proline 914 with glutamine.
Molecular consequence: missense variant.
Genome position (GRCh38, 1-based): chr19:15,181,626-15,181,627, TG replaced by CT on the plus strand (CA replaced by AG on the coding strand, the reverse complement: NOTCH3 is on the minus strand). VCF-style: chr19-15181626-TG-CT. GRCh37 (hg19) VCF-style: chr19-15292437-TG-CT.
Other names: short protein forms P914Q.
Identifiers: ClinVar variation 1256504 (VCV001256504.2), dbSNP rs2145423971, ClinGen allele CA2499225410.